The following is an entry in ClinVar:

NM_001177316.2(SLC34A3):c.1052G>A (p.Arg351His)

Gene: SLC34A3 (solute carrier family 34 member 3; plus strand). Cytogenetic location: 9q34.3.
Variant type: single nucleotide variant.
Coding change: c.1052G>A on transcript NM_001177316.2 (MANE Select); coding-DNA position 1052, G replaced by A.
Protein change: p.Arg351His; replaces arginine 351 with histidine.
Molecular consequence: missense variant.
Genome position (GRCh38, 1-based): chr9:137,234,235, G>A. VCF-style: chr9-137234235-G-A. GRCh37 (hg19) VCF-style: chr9-140128687-G-A.
Other names: p.Arg351His; c.1052G>A, p.Arg351His (NM_001177317.2, NM_080877.3); short protein forms R351H.
Identifiers: ClinVar variation 2302851 (VCV002302851.4), dbSNP rs372129243, ClinGen allele CA5364739.
Genomic context (GRCh38, chr9:137,234,235, plus strand): 5'-CCCTGCTGGTGCTCTGCGGCTGCCTGGTCCTCATAGTCAAGCTGCTCAACTCTGTGCTGC[G>A]CGGCCGCGTGGCCCAGGTCGTGAGGACAGTCATCAATGCGGGTGAGGGCGTGGGAGGAGG-3'
Protein context (NP_001170787.2, residues 341-361): LIVKLLNSVL[Arg351His]GRVAQVVRTV

ClinVar aggregate classification (germline): Uncertain significance. Review status: criteria provided, multiple submitters, no conflicts (2 of 4 stars). 2 submissions from 2 submitters: Uncertain significance (2). Last evaluated 2025-10-22.

Conditions:
Inborn genetic diseases. Identifiers: MedGen C0950123, MeSH D030342.

Submissions (2):

Ambry Genetics
Classification: Uncertain significance for Inborn genetic diseases. Last evaluated: 2025-10-22. Review status: criteria provided, single submitter. Criteria: Ambry Variant Classification Scheme 2023. Collection method: clinical testing. Allele origin: germline.

Mayo Clinic Laboratories, Mayo Clinic
Classification: Uncertain significance. Last evaluated: 2024-04-10. Review status: criteria provided, single submitter. Criteria: ACMG Guidelines, 2015. Collection method: clinical testing. Allele origin: germline. Observed: 1 variant allele.
Comment: BP4